The following is an entry in ClinVar:

ClinVar aggregate classification (germline): Conflicting classifications of pathogenicity. Review status: criteria provided, conflicting classifications (1 of 4 stars). 4 submissions from 4 submitters: Uncertain significance (1); Likely benign (3). Last evaluated 2025-09-11.

Conditions:
Spastic paraplegia. Identifiers: MedGen C0037772, HP:0001258.
SACS-related disorder. Also called: SACS-related condition.

Allele frequency attached by ClinVar (database versions not stated): ExAC 0.00001; TOPMed 0.00001; gnomAD exomes 0.00002; gnomAD 0.00003.
gnomAD v4.1: 25 of 1,605,802 alleles (0.0016%); highest among the groups gnomAD compares: Admixed American, 0.0067%; no homozygotes.

Submissions (4):

PreventionGenetics, part of Exact Sciences
Classification: Likely benign for SACS-related condition. Last evaluated: 2025-09-11. Review status: criteria provided, single submitter. Criteria: ACMG Guidelines, 2015. Collection method: clinical testing. Allele origin: germline.
Comment: This variant is classified as likely benign based on ACMG/AMP sequence variant interpretation guidelines (Richards et al. 2015 PMID: 25741868, with internal and published modifications).

Labcorp Genetics (formerly Invitae), Labcorp
Classification: Likely benign for Spastic paraplegia. Last evaluated: 2023-09-10. Review status: criteria provided, single submitter. Criteria: Invitae Variant Classification Sherloc (09022015). Collection method: clinical testing. Allele origin: germline.

Blueprint Genetics
Classification: Uncertain significance. Last evaluated: 2018-05-31. Review status: criteria provided, single submitter. Criteria: ACMG Guidelines, 2015. Collection method: clinical testing. Allele origin: germline.

Breakthrough Genomics
Classification: Likely benign. Review status: criteria provided, single submitter. Criteria: ACMG Guidelines, 2015. Collection method: not provided. Allele origin: germline. Inheritance: Autosomal recessive inheritance. Affected: yes.

NM_014363.6(SACS):c.260-10C>T

Gene: SACS (sacsin molecular chaperone; minus strand). Cytogenetic location: 13q12.12.
Variant type: single nucleotide variant.
Coding change: c.260-10C>T on transcript NM_014363.6 (MANE Select); 10 bases into the intron before coding-DNA position 260, C replaced by T.
Molecular consequence: intron variant.
Genome position (GRCh38, 1-based): chr13:23,368,497, G>A on the plus strand (C>T on the coding strand, the complement: SACS is on the minus strand). VCF-style: chr13-23368497-G-A. GRCh37 (hg19) VCF-style: chr13-23942636-G-A.
Other names: c.260-10C>T (NM_014363.5); c.-182-10C>T (NM_001278055.2).
Identifiers: ClinVar variation 1129775 (VCV001129775.12), dbSNP rs746220432, ClinGen allele CA6912137.